The following is an entry in ClinVar:

NM_021922.3(FANCE):c.339del (p.Leu114fs)

Gene: FANCE (FA complementation group E; plus strand). Cytogenetic location: 6p21.31.
Variant type: Deletion.
Coding change: c.339del on transcript NM_021922.3 (MANE Select); coding-DNA position 339, one base deleted (G; older notation c.339delG).
Protein change: p.Leu114fs; shifts the reading frame from leucine 114.
Molecular consequence: frameshift variant.
Genome position (GRCh38, 1-based): chr6:35,455,837, G deleted; the last of 3 consecutive G bases (chr6:35,455,835-35,455,837); deleting any one gives the same sequence. VCF-style (leftmost placement, unchanged base first): chr6-35455834-TG-T. GRCh37 (hg19) VCF-style: chr6-35423611-TG-T.
Other names: c.339del, p.Leu114fs (NM_001410876.1); short protein forms L114fs.
Identifiers: ClinVar variation 2581474 (VCV002581474.6), dbSNP rs2533657776, ClinGen allele CA2582341693.

ClinVar aggregate classification (germline): Pathogenic/Likely pathogenic. Review status: criteria provided, multiple submitters, no conflicts (2 of 4 stars). 4 submissions from 4 submitters: Pathogenic (2); Likely pathogenic (2). Last evaluated 2024-03-23.

Conditions:
Fanconi anemia (FA). Also called: Fanconi's anemia. Identifiers: Orphanet 84, MedGen C0015625, MeSH D005199, MONDO:0019391.
Fanconi anemia complementation group E (FANCE). Also called: FANCE-Related Fanconi Anemia. Identifiers: Orphanet 84, MedGen C3160739, MONDO:0010953, OMIM 600901.

Submissions (4):

Baylor Genetics
Classification: Likely pathogenic for Fanconi anemia complementation group E. Last evaluated: 2024-03-23. Review status: criteria provided, single submitter. Criteria: ACMG Guidelines, 2015. Collection method: clinical testing. Allele origin: unknown.

Fulgent Genetics
Classification: Likely pathogenic for Fanconi anemia complementation group E. Last evaluated: 2024-03-15. Review status: criteria provided, single submitter. Criteria: ACMG Guidelines, 2015. Collection method: clinical testing. Allele origin: germline.

Women's Health and Genetics/Laboratory Corporation of America, LabCorp
Classification: Pathogenic for Fanconi anemia. Last evaluated: 2023-08-31. Review status: criteria provided, single submitter. Criteria: LabCorp Variant Classification Summary - May 2015. Collection method: clinical testing. Allele origin: germline.
Comment: Variant summary: FANCE c.339delG (p.Leu114SerfsX12) results in a premature termination codon, predicted to cause a truncation of the encoded protein or absence of the protein due to nonsense mediated decay, which are commonly known mechanisms for disease. The variant was absent in 251410 control chromosomes (gnomAD). To our knowledge, no occurrence of c.339delG in individuals affected with Fanconi Anemia and no experimental evidence demonstrating its impact on protein function have been reported. No submitters have cited clinical-significance assessments for this variant to ClinVar after 2014. Based on the evidence outlined above, the variant was classified as classified as pathogenic.

Labcorp Genetics (formerly Invitae), Labcorp
Classification: Pathogenic for Fanconi anemia complementation group E. Last evaluated: 2023-08-28. Review status: criteria provided, single submitter. Criteria: Invitae Variant Classification Sherloc (09022015). Collection method: clinical testing. Allele origin: germline.
Comment: This sequence change creates a premature translational stop signal (p.Leu114Serfs*12) in the FANCE gene. It is expected to result in an absent or disrupted protein product. Loss-of-function variants in FANCE are known to be pathogenic (PMID: 11001585, 17924555). This variant is not present in population databases (gnomAD no frequency). This variant has not been reported in the literature in individuals affected with FANCE-related conditions. For these reasons, this variant has been classified as Pathogenic.

Literature cited by the submitters: PubMed 11001585 (cited by Labcorp Genetics (formerly Invitae), Labcorp); PubMed 17924555 (cited by Labcorp Genetics (formerly Invitae), Labcorp).